The following is an entry in ClinVar:

NC_000005.9:g.(?_1801532)_(1816030_?)dup

Gene: NDUFS6 (NADH:ubiquinone oxidoreductase subunit S6; plus strand). Cytogenetic location: 5p15.33.
Variant type: Duplication.
Identifiers: ClinVar variation 2425152 (VCV002425152.3).

ClinVar aggregate classification (germline): Uncertain significance (1 of 4 stars; one submission).

Submission:

Labcorp Genetics (formerly Invitae), Labcorp
Classification: Uncertain significance. Last evaluated: 2022-07-20. Review status: criteria provided, single submitter. Criteria: Invitae Variant Classification Sherloc (09022015). Collection method: clinical testing. Allele origin: germline.
Comment: A copy number gain of the genomic region encompassing the full coding sequence of the NDUFS6 gene has been identified. The boundaries of this event are unknown as they extend beyond the assayed region for this gene and therefore may encompass additional genes. As the precise location of this event is unknown, it may be in tandem or it may be located elsewhere in the genome. This variant has not been reported in the literature in individuals affected with NDUFS6-related conditions. In summary, the available evidence is currently insufficient to determine the role of this variant in disease. Therefore, it has been classified as a Variant of Uncertain Significance.